The following is an entry in ClinVar:

ClinVar aggregate classification (germline): Uncertain significance. Review status: criteria provided, multiple submitters, no conflicts (2 of 4 stars). 2 submissions from 2 submitters: Uncertain significance (2). Last evaluated 2025-11-24.

Conditions:
Hereditary cancer-predisposing syndrome. Also called: Tumor predisposition; Hereditary neoplastic syndrome; Neoplastic Syndromes, Hereditary; Hereditary Cancer Syndrome. Identifiers: Orphanet 140162, MedGen C0027672, MeSH D009386, MONDO:0015356.

Allele frequency attached by ClinVar (database versions not stated): gnomAD exomes below 0.00001; ExAC 0.00001.

Submissions (2):

Labcorp Genetics (formerly Invitae), Labcorp
Classification: Uncertain significance. Last evaluated: 2025-11-24. Review status: criteria provided, single submitter. Criteria: Invitae Variant Classification Sherloc (09022015). Collection method: clinical testing. Allele origin: germline.
Comment: This sequence change replaces glutamic acid, which is acidic and polar, with lysine, which is basic and polar, at codon 741 of the POLE protein (p.Glu741Lys). This variant is present in population databases (rs756606994, gnomAD 0.006%). This variant has not been reported in the literature in individuals affected with POLE-related conditions. ClinVar contains an entry for this variant (Variation ID: 845693). Invitae Evidence Modeling of protein sequence and biophysical properties (such as structural, functional, and spatial information, amino acid conservation, physicochemical variation, residue mobility, and thermodynamic stability) indicates that this missense variant is not expected to disrupt POLE protein function with a negative predictive value of 80%. In summary, the available evidence is currently insufficient to determine the role of this variant in disease. Therefore, it has been classified as a Variant of Uncertain Significance.

Ambry Genetics
Classification: Uncertain significance for Hereditary cancer-predisposing syndrome. Last evaluated: 2025-06-21. Review status: criteria provided, single submitter. Criteria: Ambry Variant Classification Scheme 2023. Collection method: clinical testing. Allele origin: germline.
Comment: The p.E741K variant (also known as c.2221G>A), located in coding exon 20 of the POLE gene, results from a G to A substitution at nucleotide position 2221. The glutamic acid at codon 741 is replaced by lysine, an amino acid with similar properties. This amino acid position is conserved. In addition, this alteration is predicted to be tolerated by in silico analysis. Based on the available evidence, the clinical significance of this variant remains unclear.

NM_006231.4(POLE):c.2221G>A (p.Glu741Lys)

Gene: POLE (DNA polymerase epsilon, catalytic subunit; minus strand). Cytogenetic location: 12q24.33.
Variant type: single nucleotide variant.
Coding change: c.2221G>A on transcript NM_006231.4 (MANE Select); coding-DNA position 2221, G replaced by A.
Protein change: p.Glu741Lys; replaces glutamic acid 741 with lysine.
Molecular consequence: missense variant.
Genome position (GRCh38, 1-based): chr12:132,667,601, C>T on the plus strand (G>A on the coding strand, the complement: POLE is on the minus strand). VCF-style: chr12-132667601-C-T. GRCh37 (hg19) VCF-style: chr12-133244187-C-T.
Other names: c.2221G>A (NM_006231.2); short protein forms E741K.
Identifiers: ClinVar variation 845693 (VCV000845693.9), dbSNP rs756606994, ClinGen allele CA6893625.